The following is an entry in ClinVar:

ClinVar aggregate classification (germline): Likely benign (0 of 4 stars; one submission).

Conditions:
TRIO-related disorder. Also called: TRIO-related disorders; TRIO-related condition.

Allele frequency attached by ClinVar (database versions not stated): TOPMed 0.00002.
gnomAD v4.1: 5 of 1,613,772 alleles (0.00031%); highest among the groups gnomAD compares: East Asian, 0.0067%; no homozygotes.

Submission:

PreventionGenetics, part of Exact Sciences
Classification: Likely benign for TRIO-related condition. Last evaluated: 2023-10-09. Review status: no assertion criteria provided. Collection method: clinical testing. Allele origin: germline.
Comment: This variant is classified as likely benign based on ACMG/AMP sequence variant interpretation guidelines (Richards et al. 2015 PMID: 25741868, with internal and published modifications).

NM_007118.4(TRIO):c.2874+9G>A

Gene: TRIO (trio Rho guanine nucleotide exchange factor; plus strand). Cytogenetic location: 5p15.2.
Variant type: single nucleotide variant.
Coding change: c.2874+9G>A on transcript NM_007118.4 (MANE Select); 9 bases into the intron after coding-DNA position 2874, G replaced by A.
Molecular consequence: intron variant.
Genome position (GRCh38, 1-based): chr5:14,366,988, G>A. VCF-style: chr5-14366988-G-A. GRCh37 (hg19) VCF-style: chr5-14367097-G-A.
Identifiers: ClinVar variation 3045097 (VCV003045097.2), dbSNP rs1323340805, ClinGen allele CA557880275.